The following is an entry in ClinVar:

NM_001148.6(ANK2):c.10415G>A (p.Arg3472Lys)

Gene: ANK2 (ankyrin 2; plus strand). Cytogenetic location: 4q26.
Variant type: single nucleotide variant.
Coding change: c.10415G>A on transcript NM_001148.6 (MANE Select); coding-DNA position 10415, G replaced by A.
Protein change: p.Arg3472Lys; replaces arginine 3472 with lysine.
Molecular consequence: missense variant. On other transcripts: intron variant (68).
Genome position (GRCh38, 1-based): chr4:113,359,033, G>A. VCF-style: chr4-113359033-G-A. GRCh37 (hg19) VCF-style: chr4-114280189-G-A.
Other names: c.10181G>A, p.Arg3394Lys (NM_001386142.1); c.6815G>A, p.Arg2272Lys (NM_001386166.1); c.10556G>A, p.Arg3519Lys (NM_001386174.1); c.10532G>A, p.Arg3511Lys (NM_001386175.1); c.4412-1790G>A (NM_001386186.2, NM_001386148.2); c.4214-1790G>A (NM_001354269.3); c.4292-1790G>A (NM_001386187.2); c.4253-1790G>A (NM_001386147.1); and 35 more; short protein forms R2272K, R3394K, R3472K, R3511K, R3519K.
Identifiers: ClinVar variation 2655041 (VCV002655041.24), dbSNP rs2096023864, ClinGen allele CA357940362.

ClinVar aggregate classification (germline): Uncertain significance (1 of 4 stars; one submission).

Submission:

CeGaT Center for Human Genetics Tuebingen
Classification: Uncertain significance. Last evaluated: 2023-07-01. Review status: criteria provided, single submitter. Criteria: CeGaT Center For Human Genetics Tuebingen Variant Classification Criteria Version 2. Collection method: clinical testing. Allele origin: germline. Affected: yes. Observed: 1 variant allele.
Comment: ANK2: PM2